The following is an entry in ClinVar:

ClinVar aggregate classification (germline): Likely benign (1 of 4 stars; one submission).

Allele frequency attached by ClinVar (database versions not stated): gnomAD exomes below 0.00001.
gnomAD v4.1: 1 of 1,210,723 alleles (0.000083%); highest among the groups gnomAD compares: South Asian, 0.0018%; no homozygotes.

Submission:

CeGaT Center for Human Genetics Tuebingen
Classification: Likely benign. Last evaluated: 2024-03-01. Review status: criteria provided, single submitter. Criteria: CeGaT Center For Human Genetics Tuebingen Variant Classification Criteria Version 2. Collection method: clinical testing. Allele origin: germline. Affected: yes. Observed: 1 variant allele.
Comment: SLC9A6: PM2:Supporting, BP4, BP7

NM_001379110.1(SLC9A6):c.837C>T (p.Phe279=)

Gene: SLC9A6 (solute carrier family 9 member A6; plus strand). Cytogenetic location: Xq26.3.
Variant type: single nucleotide variant.
Coding change: c.837C>T on transcript NM_001379110.1 (MANE Select); coding-DNA position 837, C replaced by T.
Protein change: p.Phe279=; no amino-acid change (phenylalanine 279 retained).
Molecular consequence: synonymous variant.
Genome position (GRCh38, 1-based): chrX:136,010,535, C>T. VCF-style: chrX-136010535-C-T. GRCh37 (hg19) VCF-style: chrX-135092694-C-T.
Other names: c.993C>T, p.Phe331= (NM_001042537.2); c.837C>T, p.Phe279= (NM_001177651.2, NM_001400909.1, NM_001400910.1 and 2 more transcripts); c.741C>T, p.Phe247= (NM_001330652.2, NM_001400913.1); c.897C>T, p.Phe299= (NM_006359.3).
Identifiers: ClinVar variation 3067572 (VCV003067572.21), dbSNP rs2521290502, ClinGen allele CA518751772.
Genomic context (GRCh38, chrX:136,010,535, plus strand): 5'-CAGTCACACCTTTGATGTCACAGCGATGTTCAAGTCTATTGGGATCTTCCTTGGAATCTT[C>T]AGTGGATCTTTTGCAATGGGTGCTGCTACTGGAGTGGTGACAGCTTTAATATCCTTTTGT-3'
Protein context (NP_001366039.1, residues 269-289): FKSIGIFLGI[Phe279=]SGSFAMGAAT